The following is an entry in ClinVar:

NM_001375524.1(TRRAP):c.4822C>T (p.Arg1608Trp)

Gene: TRRAP (transformation/transcription domain associated protein; plus strand). Cytogenetic location: 7q22.1.
Variant type: single nucleotide variant.
Coding change: c.4822C>T on transcript NM_001375524.1 (MANE Select); coding-DNA position 4822, C replaced by T.
Protein change: p.Arg1608Trp; replaces arginine 1608 with tryptophan.
Molecular consequence: missense variant.
Genome position (GRCh38, 1-based): chr7:98,949,450, C>T. VCF-style: chr7-98949450-C-T. GRCh37 (hg19) VCF-style: chr7-98547073-C-T.
Other names: c.4801C>T, p.Arg1601Trp (NM_001244580.2); c.4747C>T, p.Arg1583Trp (NM_003496.4); short protein forms R1583W, R1608W, R1601W.
Identifiers: ClinVar variation 4839282 (VCV004839282.1).

ClinVar aggregate classification (germline): Uncertain significance (1 of 4 stars; one submission).

Conditions:
Inborn genetic diseases. Identifiers: MedGen C0950123, MeSH D030342.

gnomAD v4.1: 2 of 1,599,480 alleles (0.00013%); highest among the groups gnomAD compares: Non-Finnish European, 0.000085%; no homozygotes.

Submission:

Ambry Genetics
Classification: Uncertain significance for Inborn genetic diseases. Last evaluated: 2026-01-14. Review status: criteria provided, single submitter. Criteria: Ambry Variant Classification Scheme 2023. Collection method: clinical testing. Allele origin: germline.
Comment: The c.4801C>T (p.R1601W) alteration is located in exon 35 (coding exon 34) of the TRRAP gene. This alteration results from a C to T substitution at nucleotide position 4801, causing the arginine (R) at amino acid position 1601 to be replaced by a tryptophan (W). Based on data from gnomAD, the T allele has an overall frequency of <0.001% (0/237300) total alleles studied. The highest observed frequency was <0.001% (/) of alleles. Based on insufficient or conflicting evidence, the clinical significance of this alteration remains unclear.